The following is an entry in ClinVar:

NM_001329943.3(KIAA0586):c.4495+3795T>C

Gene: KIAA0586 (KIAA0586; plus strand). Cytogenetic location: 14q23.1.
Variant type: single nucleotide variant.
Coding change: c.4495+3795T>C on transcript NM_001329943.3 (MANE Select); 3795 bases into the intron after coding-DNA position 4495, T replaced by C.
Molecular consequence: intron variant. On other transcripts: missense variant (2).
Genome position (GRCh38, 1-based): chr14:58,543,931, T>C. VCF-style: chr14-58543931-T-C. GRCh37 (hg19) VCF-style: chr14-59010649-T-C.
Other names: p.Leu1568Pro; c.4703T>C, p.Leu1568Pro (NM_001244189.2); c.4544T>C, p.Leu1515Pro (NM_001329944.2); c.4450+3795T>C (NM_001244190.2); c.4363+3795T>C (NM_001244192.2, NM_001329947.2); c.4240+3795T>C (NM_001244191.2, NM_001364701.2); c.4430-3850T>C (NM_001329946.2); c.4267+3795T>C (NM_014749.5); and 1 more; short protein forms L1515P, L1568P.
Identifiers: ClinVar variation 1166819 (VCV001166819.15), dbSNP rs28535751, ClinGen allele CA7206423.

ClinVar aggregate classification (germline): Benign. Review status: criteria provided, multiple submitters, no conflicts (2 of 4 stars). 5 submissions from 5 submitters: Benign (4). 1 of the submissions does not count toward it. Last evaluated 2026-02-04.

Conditions:
KIAA0586-related disorder. Also called: KIAA0586-related condition; KIAA0586- Related disorders.
Joubert syndrome 23 (JBTS23). Identifiers: Orphanet 475, MedGen C4084822, MONDO:0014664, OMIM 616490.
Short-rib thoracic dysplasia 14 with polydactyly (SRTD14). Identifiers: Orphanet 397715, MedGen C4225286, MONDO:0014688, OMIM 616546.

Allele frequency attached by ClinVar (database versions not stated): gnomAD exomes 0.37802 and 0.38786; TOPMed 0.42155; gnomAD 0.42516 and 0.42605; ExAC 0.44307; 1000 Genomes Project 0.45308; 1000 Genomes Project 30x 0.46049.
gnomAD v4.1: 181,966 of 454,976 alleles (40%); highest among the groups gnomAD compares: African/African-American, 57%; 37,926 homozygotes.

Submissions (5):

Labcorp Genetics (formerly Invitae), Labcorp
Classification: Benign for Joubert syndrome 23; Short-rib thoracic dysplasia 14 with polydactyly. Last evaluated: 2026-02-04. Review status: criteria provided, single submitter. Criteria: Invitae Variant Classification Sherloc (09022015). Collection method: clinical testing. Allele origin: germline.

Mayo Clinic Laboratories, Mayo Clinic
Classification: Benign. Last evaluated: 2022-04-26. Review status: criteria provided, single submitter. Criteria: ACMG Guidelines, 2015. Collection method: clinical testing. Allele origin: germline. Observed: 59 variant alleles.

GeneDx
Classification: Benign. Last evaluated: 2018-07-13. Review status: criteria provided, single submitter. Criteria: GeneDx Variant Classification Process June 2021. Collection method: clinical testing. Allele origin: germline. Affected: yes.

Breakthrough Genomics
Classification: Benign. Review status: criteria provided, single submitter. Criteria: ACMG Guidelines, 2015. Collection method: not provided. Allele origin: germline. Inheritance: Autosomal recessive inheritance. Affected: yes.

PreventionGenetics, part of Exact Sciences
Classification: Benign for KIAA0586-related condition. Last evaluated: 2023-08-22. Review status: no assertion criteria provided. Collection method: clinical testing. Allele origin: germline. Not counted in ClinVar's aggregate classification.
Comment: This variant is classified as benign based on ACMG/AMP sequence variant interpretation guidelines (Richards et al. 2015 PMID: 25741868, with internal and published modifications).